The following is an entry in ClinVar:

ClinVar aggregate classification (germline): Benign. Review status: criteria provided, multiple submitters, no conflicts (2 of 4 stars). 2 submissions from 2 submitters: Benign (2). Last evaluated 2018-01-13.

Conditions:
Ellis-van Creveld syndrome (EVC). Also called: EVC-Related Ellis-van Creveld Syndrome; EVC2-Related Ellis-van Creveld Syndrome; MESOECTODERMAL DYSPLASIA; Chondroectodermal dysplasia. Identifiers: Orphanet 289, MedGen C0013903, MONDO:0009162, OMIM 225500.

Allele frequency attached by ClinVar (database versions not stated): 1000 Genomes Project 30x 0.07433; 1000 Genomes Project 0.07448; TOPMed 0.11246; gnomAD 0.11917 and 0.12188; gnomAD exomes 0.20833.
gnomAD v4.1: 18,068 of 152,118 alleles (12%); highest among the groups gnomAD compares: Non-Finnish European, 15%; 1,254 homozygotes.

Submissions (2):

Illumina Laboratory Services, Illumina
Classification: Benign for Ellis-van Creveld syndrome. Last evaluated: 2018-01-13. Review status: criteria provided, single submitter. Criteria: ICSL Variant Classification Criteria 13 December 2019. Collection method: clinical testing. Allele origin: germline.
Comment: This variant was observed in the ICSL laboratory as part of a predisposition screen in an ostensibly healthy population. It had not been previously curated by ICSL or reported in the Human Gene Mutation Database (HGMD: prior to June 1st, 2018), and was therefore a candidate for classification through an automated scoring system. Utilizing variant allele frequency, disease prevalence and penetrance estimates, and inheritance mode, an automated score was calculated to assess if this variant is too frequent to cause the disease. Based on the score and internal cut-off values, a variant classified as benign is not then subjected to further curation. The score for this variant resulted in a classification of benign for this disease.

Breakthrough Genomics
Classification: Benign. Review status: criteria provided, single submitter. Criteria: ACMG Guidelines, 2015. Collection method: not provided. Allele origin: germline. Inheritance: Autosomal recessive inheritance. Affected: yes.

NM_153717.3(EVC):c.*2680G>A

Gene: EVC (EvC ciliary complex subunit 1; plus strand). Cytogenetic location: 4p16.2.
Variant type: single nucleotide variant.
Coding change: c.*2680G>A on transcript NM_153717.3 (MANE Select); 2680 bases downstream of the stop codon, G replaced by A.
Molecular consequence: 3 prime UTR variant.
Genome position (GRCh38, 1-based): chr4:5,813,717, G>A. VCF-style: chr4-5813717-G-A. GRCh37 (hg19) VCF-style: chr4-5815444-G-A.
Other names: c.*2680G>A (NM_001306090.2).
Identifiers: ClinVar variation 349277 (VCV000349277.6), dbSNP rs3733187, ClinGen allele CA10618988.